The following is an entry in ClinVar:

NM_001024630.4(RUNX2):c.1200C>A (p.Tyr400Ter)

Gene: RUNX2 (RUNX family transcription factor 2; plus strand). Cytogenetic location: 6p21.1.
Variant type: single nucleotide variant.
Coding change: c.1200C>A on transcript NM_001024630.4 (MANE Select); coding-DNA position 1200, C replaced by A.
Protein change: p.Tyr400Ter; replaces tyrosine 400 with a stop codon.
Molecular consequence: nonsense.
Genome position (GRCh38, 1-based): chr6:45,546,939, C>A. VCF-style: chr6-45546939-C-A. GRCh37 (hg19) VCF-style: chr6-45514676-C-A.
Other names: c.1134C>A, p.Tyr378Ter (NM_001015051.4); c.1092C>A, p.Tyr364Ter (NM_001278478.2); c.1158C>A, p.Tyr386Ter (NM_001369405.1); short protein forms Y378*, Y400*, Y364*, Y386*.
Identifiers: ClinVar variation 3687334 (VCV003687334.2).
Genomic context (GRCh38, chr6:45,546,939, plus strand): 5'-ATCCCTCACTGAGAGCCGCTTCTCCAACCCACGAATGCACTATCCAGCCACCTTTACTTA[C>A]ACCCCGCCAGTCACCTCAGGCATGTCCCTCGGTATGTCCGCCACCACTCACTACCACACC-3'

ClinVar aggregate classification (germline): Pathogenic (1 of 4 stars; one submission).

Submission:

Labcorp Genetics (formerly Invitae), Labcorp
Classification: Pathogenic. Last evaluated: 2024-10-13. Review status: criteria provided, single submitter. Criteria: Invitae Variant Classification Sherloc (09022015). Collection method: clinical testing. Allele origin: germline.
Comment: This sequence change creates a premature translational stop signal (p.Tyr400*) in the RUNX2 gene. While this is not anticipated to result in nonsense mediated decay, it is expected to disrupt the last 122 amino acid(s) of the RUNX2 protein. This variant is not present in population databases (gnomAD no frequency). This variant has not been reported in the literature in individuals affected with RUNX2-related conditions. This variant disrupts a region of the RUNX2 protein in which other variant(s) (p.Gly462*) have been determined to be pathogenic (PMID: 28703881; internal data). This suggests that this is a clinically significant region of the protein, and that variants that disrupt it are likely to be disease-causing. For these reasons, this variant has been classified as Pathogenic.

Literature cited by the submitters: PubMed 28703881.